The following is an entry in ClinVar:

NM_000051.4(ATM):c.7191A>T (p.Gln2397His)

Genes: ATM (ATM serine/threonine kinase; plus strand), C11orf65 (chromosome 11 open reading frame 65; minus strand). Cytogenetic location: 11q22.3.
Variant type: single nucleotide variant.
Coding change: c.7191A>T on transcript NM_000051.4 (MANE Select); coding-DNA position 7191, A replaced by T.
Protein change: p.Gln2397His; replaces glutamine 2397 with histidine.
Molecular consequence: missense variant. On other transcripts: intron variant (2).
Genome position (GRCh38, 1-based): chr11:108,329,122, A>T. VCF-style: chr11-108329122-A-T. GRCh37 (hg19) VCF-style: chr11-108199849-A-T.
Other names: c.7191A>T, p.Gln2397His (NM_001351834.2); c.641-20051T>A (NM_001330368.2); c.*38+6098T>A (NM_001351110.2); short protein forms Q2397H.
Identifiers: ClinVar variation 1757596 (VCV001757596.3), dbSNP rs768906734, ClinGen allele CA382559592.

ClinVar aggregate classification (germline): Uncertain significance (1 of 4 stars; one submission).

Conditions:
Hereditary cancer-predisposing syndrome. Also called: Hereditary neoplastic syndrome; Neoplastic Syndromes, Hereditary; Tumor predisposition; Hereditary Cancer Syndrome. Identifiers: Orphanet 140162, MedGen C0027672, MeSH D009386, MONDO:0015356.

Submission:

Ambry Genetics
Classification: Uncertain significance for Hereditary cancer-predisposing syndrome. Last evaluated: 2025-11-21. Review status: criteria provided, single submitter. Criteria: Ambry Variant Classification Scheme 2023. Collection method: clinical testing. Allele origin: germline.
Comment: The p.Q2397H variant (also known as c.7191A>T), located in coding exon 48 of the ATM gene, results from an A to T substitution at nucleotide position 7191. The glutamine at codon 2397 is replaced by histidine, an amino acid with highly similar properties. This amino acid position is highly conserved in available vertebrate species. In addition, this alteration is predicted to be deleterious by in silico analysis. Based on the available evidence, the clinical significance of this variant remains unclear.